The following is an entry in ClinVar:

ClinVar aggregate classification (germline): Conflicting classifications of pathogenicity. Review status: criteria provided, conflicting classifications (1 of 4 stars). 3 submissions from 3 submitters: Likely pathogenic (1); Uncertain significance (2). Last evaluated 2022-12-05.

Allele frequency attached by ClinVar (database versions not stated): gnomAD exomes below 0.00001.
gnomAD v4.1: 1 of 1,614,060 alleles (0.000062%); highest among the groups gnomAD compares: Admixed American, 0.0017%; no homozygotes.

Submissions (3):

Labcorp Genetics (formerly Invitae), Labcorp
Classification: Likely pathogenic. Last evaluated: 2022-12-05. Review status: criteria provided, single submitter. Criteria: Invitae Variant Classification Sherloc (09022015). Collection method: clinical testing. Allele origin: germline.
Comment: This missense change has been observed in individual(s) with clinical features of COL4A1-related conditions (PMID: 30413629). In summary, the currently available evidence indicates that the variant is pathogenic, but additional data are needed to prove that conclusively. Therefore, this variant has been classified as Likely Pathogenic. This variant disrupts the triple helix domain of COL4A1. Glycine residues within the Gly-Xaa-Yaa repeats of the triple helix domain are required for the structure and stability of fibrillar collagens (PMID: 7695699, 8218237, 19344236). In COL4A1 variants affecting these glycine residues are significantly enriched in individuals with disease (PMID: 9016532, 17078022) compared to the general population (ExAC). Advanced modeling of protein sequence and biophysical properties (such as structural, functional, and spatial information, amino acid conservation, physicochemical variation, residue mobility, and thermodynamic stability) performed at Invitae indicates that this missense variant is expected to disrupt COL4A1 protein function. ClinVar contains an entry for this variant (Variation ID: 374668). This variant is present in population databases (no rsID available, gnomAD 0.003%). This sequence change replaces glycine, which is neutral and non-polar, with arginine, which is basic and polar, at codon 203 of the COL4A1 protein (p.Gly203Arg).

GeneDx
Classification: Uncertain significance. Last evaluated: 2019-04-05. Review status: criteria provided, single submitter. Criteria: GeneDx Variant Classification Process June 2021. Collection method: clinical testing. Allele origin: germline. Affected: yes.
Comment: Not observed at a significant frequency in large population cohorts (Lek et al., 2016); In silico analysis, which includes protein predictors and evolutionary conservation, supports a deleterious effect; Has not been previously published as pathogenic or benign to our knowledge; This variant is associated with the following publications: (PMID: 30413629)

CeGaT Center for Human Genetics Tuebingen
Classification: Uncertain significance. Last evaluated: 2016-07-01. Review status: criteria provided, single submitter. Criteria: CeGaT Center For Human Genetics Tuebingen Variant Classification Criteria Version 2. Collection method: clinical testing. Allele origin: germline. Affected: yes. Observed: 1 variant allele.

Literature cited by the submitters: PubMed 30413629 (cited by Labcorp Genetics (formerly Invitae), Labcorp); PubMed 7695699 (cited by Labcorp Genetics (formerly Invitae), Labcorp); PubMed 8218237 (cited by Labcorp Genetics (formerly Invitae), Labcorp); PubMed 19344236 (cited by Labcorp Genetics (formerly Invitae), Labcorp); PubMed 9016532 (cited by Labcorp Genetics (formerly Invitae), Labcorp); PubMed 17078022 (cited by Labcorp Genetics (formerly Invitae), Labcorp).

NM_001845.6(COL4A1):c.607G>A (p.Gly203Arg)

Gene: COL4A1 (collagen type IV alpha 1 chain; minus strand). Cytogenetic location: 13q34.
Variant type: single nucleotide variant.
Coding change: c.607G>A on transcript NM_001845.6 (MANE Select); coding-DNA position 607, G replaced by A.
Protein change: p.Gly203Arg; replaces glycine 203 with arginine.
Molecular consequence: missense variant.
Genome position (GRCh38, 1-based): chr13:110,209,988, C>T on the plus strand (G>A on the coding strand, the complement: COL4A1 is on the minus strand). VCF-style: chr13-110209988-C-T. GRCh37 (hg19) VCF-style: chr13-110862335-C-T.
Other names: c.607G>A, p.Gly203Arg (NM_001303110.2); short protein forms G203R.
Identifiers: ClinVar variation 374668 (VCV000374668.53), dbSNP rs1057519191, ClinGen allele CA16043839.